The following is an entry in ClinVar:

NM_001367624.2(ZNF469):c.8863G>A (p.Ala2955Thr)

Gene: ZNF469 (zinc finger protein 469; plus strand). Cytogenetic location: 16q24.2.
Variant type: single nucleotide variant.
Coding change: c.8863G>A on transcript NM_001367624.2 (MANE Select); coding-DNA position 8863, G replaced by A.
Protein change: p.Ala2955Thr; replaces alanine 2955 with threonine.
Molecular consequence: missense variant.
Genome position (GRCh38, 1-based): chr16:88,436,333, G>A. VCF-style: chr16-88436333-G-A. GRCh37 (hg19) VCF-style: chr16-88502741-G-A.
Other names: NM_001127464.1:c.8779G>A; short protein forms A2955T.
Identifiers: ClinVar variation 1499159 (VCV001499159.8), dbSNP rs1906571406, ClinGen allele CA397119592.

ClinVar aggregate classification (germline): Uncertain significance. Review status: criteria provided, multiple submitters, no conflicts (2 of 4 stars). 3 submissions from 3 submitters: Uncertain significance (3). Last evaluated 2025-11-28.

Conditions:
Cardiovascular phenotype. Identifiers: MedGen CN230736.

Allele frequency attached by ClinVar (database versions not stated): gnomAD exomes below 0.00001; gnomAD 0.00001; TOPMed 0.00001.
gnomAD v4.1: 7 of 1,549,384 alleles (0.00045%); highest among the groups gnomAD compares: African/African-American, 0.0014%; no homozygotes.

Submissions (3):

Women's Health and Genetics/Laboratory Corporation of America, LabCorp
Classification: Uncertain significance. Last evaluated: 2025-11-28. Review status: criteria provided, single submitter. Criteria: LabCorp Variant Classification Summary - May 2015. Collection method: clinical testing. Allele origin: germline.
Comment: Variant summary: ZNF469 c.8863G>A (p.Ala2955Thr) results in a non-conservative amino acid change in the encoded protein sequence. Algorithms developed to predict the effect of missense changes on protein structure and function are either unavailable or do not agree on the potential impact of this missense change. The variant was absent in 149462 control chromosomes. The available data on variant occurrences in the general population are insufficient to allow any conclusion about variant significance. To our knowledge, no occurrence of c.8863G>A in individuals affected with ZNF469-related conditions and no experimental evidence demonstrating its impact on protein function have been reported. ClinVar contains an entry for this variant (Variation ID: 1499159). Based on the evidence outlined above, the variant was classified as uncertain significance.

Ambry Genetics
Classification: Uncertain significance for Cardiovascular phenotype. Last evaluated: 2025-01-06. Review status: criteria provided, single submitter. Criteria: Ambry Variant Classification Scheme 2023. Collection method: clinical testing. Allele origin: germline.
Comment: The p.A2927T variant (also known as c.8779G>A), located in coding exon 2 of the ZNF469 gene, results from a G to A substitution at nucleotide position 8779. The alanine at codon 2927 is replaced by threonine, an amino acid with similar properties. This amino acid position is conserved. In addition, this alteration is predicted to be tolerated by in silico analysis. Based on the available evidence, the clinical significance of this variant remains unclear.

Labcorp Genetics (formerly Invitae), Labcorp
Classification: Uncertain significance. Last evaluated: 2021-08-27. Review status: criteria provided, single submitter. Criteria: Invitae Variant Classification Sherloc (09022015). Collection method: clinical testing. Allele origin: germline.
Comment: This sequence change replaces alanine with threonine at codon 2927 of the ZNF469 protein (p.Ala2927Thr). The alanine residue is weakly conserved and there is a small physicochemical difference between alanine and threonine. The frequency data for this variant in the population databases is considered unreliable, as metrics indicate insufficient coverage at this position in the ExAC database. This variant has not been reported in the literature in individuals affected with ZNF469-related conditions. Algorithms developed to predict the effect of missense changes on protein structure and function output the following: SIFT: "Tolerated"; PolyPhen-2: "Benign"; Align-GVGD: "Class C0". The threonine amino acid residue is found in multiple mammalian species, which suggests that this missense change does not adversely affect protein function. In summary, the available evidence is currently insufficient to determine the role of this variant in disease. Therefore, it has been classified as a Variant of Uncertain Significance.